The following is an entry in ClinVar:

ClinVar aggregate classification (germline): Uncertain significance (1 of 4 stars; one submission).

Allele frequency attached by ClinVar (database versions not stated): gnomAD exomes below 0.00001.
gnomAD v4.1: 1 of 1,590,900 alleles (0.000063%); highest among the groups gnomAD compares: Non-Finnish European, 0.000086%; no homozygotes.

Submission:

Labcorp Genetics (formerly Invitae), Labcorp
Classification: Uncertain significance. Last evaluated: 2023-05-26. Review status: criteria provided, single submitter. Criteria: Invitae Variant Classification Sherloc (09022015). Collection method: clinical testing. Allele origin: germline.
Comment: This sequence change replaces threonine, which is neutral and polar, with methionine, which is neutral and non-polar, at codon 424 of the CLCN7 protein (p.Thr424Met). This variant is not present in population databases (gnomAD no frequency). This variant has not been reported in the literature in individuals affected with CLCN7-related conditions. An algorithm developed to predict the effect of missense changes on protein structure and function (PolyPhen-2) suggests that this variant is likely to be disruptive. In summary, the available evidence is currently insufficient to determine the role of this variant in disease. Therefore, it has been classified as a Variant of Uncertain Significance.

NM_001287.6(CLCN7):c.1271C>T (p.Thr424Met)

Gene: CLCN7 (chloride voltage-gated channel 7; minus strand). Cytogenetic location: 16p13.3.
Variant type: single nucleotide variant.
Coding change: c.1271C>T on transcript NM_001287.6 (MANE Select); coding-DNA position 1271, C replaced by T.
Protein change: p.Thr424Met; replaces threonine 424 with methionine.
Molecular consequence: missense variant.
Genome position (GRCh38, 1-based): chr16:1,452,837, G>A on the plus strand (C>T on the coding strand, the complement: CLCN7 is on the minus strand). VCF-style: chr16-1452837-G-A. GRCh37 (hg19) VCF-style: chr16-1502838-G-A.
Other names: c.1199C>T, p.Thr400Met (NM_001114331.3); short protein forms T400M, T424M.
Identifiers: ClinVar variation 2728679 (VCV002728679.3), dbSNP rs1435171864, ClinGen allele CA394189198.